The following is an entry in ClinVar:

ClinVar aggregate classification (germline): Benign/Likely benign. Review status: criteria provided, multiple submitters, no conflicts (2 of 4 stars). 19 submissions from 16 submitters: Benign (14); Likely benign (1). 4 of the submissions do not count toward it. Last evaluated 2026-02-01.

Conditions:
Heart failure. Identifiers: MedGen C0018801, MONDO:0005252.
Cardiomyopathy (CMYO). Also called: Cardiomyopathies. Identifiers: Orphanet 167848, MedGen C0878544, MONDO:0004994, HP:0001638. Inheritance: Various modes of inheritance.
Long QT syndrome (LQTS). Identifiers: MedGen C0023976, MeSH D008133, MONDO:0002442. Disease mechanism: loss of function. Inheritance: Various modes of inheritance.
Cardiovascular phenotype. Identifiers: MedGen CN230736.
Dilated cardiomyopathy 1G (CMD1G). Identifiers: Orphanet 154, MedGen C1858763, MONDO:0011400, OMIM 604145.
Autosomal recessive limb-girdle muscular dystrophy type 2J (LGMDR10). Also called: Limb-girdle muscular dystrophy, type 2J; MUSCULAR DYSTROPHY, LIMB-GIRDLE, AUTOSOMAL RECESSIVE 10. Identifiers: Orphanet 140922, MedGen C1837342, MONDO:0012127, OMIM 608807.
Early-onset myopathy with fatal cardiomyopathy (CMYO5). Also called: CONGENITAL MYOPATHY 5 WITH CARDIOMYOPATHY; Salih Myopathy. Identifiers: Orphanet 289377, MedGen C2673677, MONDO:0012714, OMIM 611705. Disease mechanism: loss of function.
Myopathy, myofibrillar, 9, with early respiratory failure (MFM9). Also called: MYOPATHY, PROXIMAL, WITH EARLY RESPIRATORY MUSCLE INVOLVEMENT; Myopathy, distal, with early respiratory failure, autosomal dominant; Hereditary myopathy with early respiratory failure; EDSTROM MYOPATHY. Identifiers: Orphanet 178464, Orphanet 34521, MedGen C1863599, MONDO:0011362, OMIM 603689.
Tibial muscular dystrophy (TMD). Also called: Tibial muscular dystrophy, tardive; UDD MYOPATHY; Udd Distal Myopathy – Tibial Muscular Dystrophy. Identifiers: Orphanet 609, MedGen C1838244, MONDO:0010870, OMIM 600334.

Allele frequency attached by ClinVar (database versions not stated): gnomAD exomes 0.00059 and 0.00161; ExAC 0.00195; 1000 Genomes Project 0.00479; 1000 Genomes Project 30x 0.00531; gnomAD 0.00663 and 0.00718; TOPMed 0.00695; ESP Exome Variant Server 0.00713.
gnomAD v4.1: 1,882 of 1,613,182 alleles (0.12%); highest among the groups gnomAD compares: African/African-American, 2.2%; 22 homozygotes.

Submissions (19):

Labcorp Genetics (formerly Invitae), Labcorp
Classification: Benign for Dilated cardiomyopathy 1G; Autosomal recessive limb-girdle muscular dystrophy type 2J. Last evaluated: 2026-02-01. Review status: criteria provided, single submitter. Criteria: Invitae Variant Classification Sherloc (09022015). Collection method: clinical testing. Allele origin: germline.

Molecular Diagnostic Laboratory for Inherited Cardiovascular Disease, Montreal Heart Institute
Classification: Benign. Last evaluated: 2025-04-09. Review status: criteria provided, single submitter. Criteria: ACMG Guidelines, 2015. Collection method: clinical testing. Allele origin: germline. Affected: no.

Athena Diagnostics
Classification: Benign. Last evaluated: 2024-07-31. Review status: criteria provided, single submitter. Criteria: Athena Diagnostics Criteria. Collection method: clinical testing. Allele origin: unknown.

CHEO Genetics Diagnostic Laboratory, Children's Hospital of Eastern Ontario
Classification: Benign for Cardiomyopathy. Last evaluated: 2023-01-09. Review status: criteria provided, single submitter. Criteria: ACMG Guidelines, 2015. Collection method: clinical testing. Allele origin: germline. Study: Canadian Open Genetics Repository.

Genome-Nilou Lab
Classification: Benign for Autosomal recessive limb-girdle muscular dystrophy type 2J. Last evaluated: 2021-09-10. Review status: criteria provided, single submitter. Criteria: ACMG Guidelines, 2015. Collection method: clinical testing. Allele origin: germline. Affected: no.

Genome-Nilou Lab
Classification: Benign for Myopathy, myofibrillar, 9, with early respiratory failure. Last evaluated: 2021-09-10. Review status: criteria provided, single submitter. Criteria: ACMG Guidelines, 2015. Collection method: clinical testing. Allele origin: germline. Affected: no.

Genome-Nilou Lab
Classification: Benign for Early-onset myopathy with fatal cardiomyopathy. Last evaluated: 2021-09-10. Review status: criteria provided, single submitter. Criteria: ACMG Guidelines, 2015. Collection method: clinical testing. Allele origin: germline. Affected: no.

Genome-Nilou Lab
Classification: Benign for Tibial muscular dystrophy. Last evaluated: 2021-09-10. Review status: criteria provided, single submitter. Criteria: ACMG Guidelines, 2015. Collection method: clinical testing. Allele origin: germline. Affected: no.

Women's Health and Genetics/Laboratory Corporation of America, LabCorp
Classification: Likely benign. Last evaluated: 2020-05-10. Review status: criteria provided, single submitter. Criteria: LabCorp Variant Classification Summary - May 2015. Collection method: clinical testing. Allele origin: germline.

Center for Advanced Laboratory Medicine, UC San Diego Health, University of California San Diego
Classification: Benign for Cardiomyopathy; Heart failure; Long QT Syndrome. Last evaluated: 2019-06-03. Review status: criteria provided, single submitter. Criteria: ACMG Guidelines, 2015. Collection method: clinical testing. Allele origin: germline. Affected: yes. Observed: 4 variant alleles.

Ambry Genetics
Classification: Benign for Cardiovascular phenotype. Last evaluated: 2017-09-28. Review status: criteria provided, single submitter. Criteria: Ambry Autosomal Dominant and X-Linked criteria (3/2017). Collection method: clinical testing. Allele origin: germline. Observed: 1 variant allele.
Comment: General population or subpopulation frequency is too high to be a pathogenic mutation based on disease/syndrome prevalence and penetrance

Mayo Clinic Laboratories, Mayo Clinic
Classification: Benign. Last evaluated: 2016-02-19. Review status: criteria provided, single submitter. Criteria: ACMG Guidelines, 2015. Collection method: clinical testing. Allele origin: germline. Observed: 7 variant alleles.

GeneDx
Classification: Benign. Last evaluated: 2014-07-09. Review status: criteria provided, single submitter. Criteria: GeneDx Variant Classification (06012015). Collection method: clinical testing. Allele origin: germline. Affected: yes.
Comment: This variant is considered likely benign or benign based on one or more of the following criteria: it is a conservative change, it occurs at a poorly conserved position in the protein, it is predicted to be benign by multiple in silico algorithms, and/or has population frequency not consistent with disease.

Biesecker Lab/Clinical Genomics Section, National Institutes of Health
Classification: Benign. Last evaluated: 2013-06-24. Review status: criteria provided, single submitter. Criteria: Ng et al. (Circ Cardiovasc Genet. 2013). Collection method: research. Allele origin: unknown. Observed: 2 variant alleles. Study: ClinSeq.
Comment: The study set was not selected for affection status in relation to any cancer. Pathogenicity categories were based on literature curation. See Pubmed ID:23861362 for details.

Medical sequencing

Laboratory for Molecular Medicine, Mass General Brigham Personalized Medicine
Classification: Benign. Last evaluated: 2012-08-15. Review status: criteria provided, single submitter. Criteria: LMM Criteria. Collection method: clinical testing. Allele origin: germline. Observed: 10 variant alleles.
Comment: Arg18441Gln in Exon 253 of TTN: This variant is not expected to have clinical si gnificance because it has been identified in 2.2% (68/3122) of African American chromosomes from a broad population by the NHLBI Exome Sequencing Project (dbSNP rs72646851).

Clinical Genetics DNA and cytogenetics Diagnostics Lab, Erasmus MC, Erasmus Medical Center
Classification: Benign. Review status: no assertion criteria provided. Collection method: clinical testing. Allele origin: germline. Affected: yes. Study: VKGL Data-share Consensus. Not counted in ClinVar's aggregate classification.

Clinical Genetics, Academic Medical Center
Classification: Benign. Review status: no assertion criteria provided. Collection method: clinical testing. Allele origin: germline. Affected: yes. Study: VKGL Data-share Consensus. Not counted in ClinVar's aggregate classification.

Genome Diagnostics Laboratory, University Medical Center Utrecht
Classification: Benign. Review status: no assertion criteria provided. Collection method: clinical testing. Allele origin: germline. Affected: yes. Study: VKGL Data-share Consensus. Not counted in ClinVar's aggregate classification.

Joint Genome Diagnostic Labs from Nijmegen and Maastricht, Radboudumc and MUMC+
Classification: Benign. Review status: no assertion criteria provided. Collection method: clinical testing. Allele origin: germline. Affected: yes. Study: VKGL Data-share Consensus. Not counted in ClinVar's aggregate classification.

NM_001267550.2(TTN):c.63026G>A (p.Arg21009Gln)

Genes: TTN-AS1 (TTN antisense RNA 1; plus strand), TTN (titin; minus strand). Cytogenetic location: 2q31.2.
Variant type: single nucleotide variant.
Coding change: c.63026G>A on transcript NM_001267550.2 (MANE Select); coding-DNA position 63026, G replaced by A.
Protein change: p.Arg21009Gln; replaces arginine 21009 with glutamine.
Molecular consequence: missense variant.
Genome position (GRCh38, 1-based): chr2:178,588,699, C>T on the plus strand (G>A on the coding strand, the complement: TTN is on the minus strand). VCF-style: chr2-178588699-C-T. GRCh37 (hg19) VCF-style: chr2-179453426-C-T.
Other names: p.R18441Q:CGA>CAA; p.Arg19368Gln; c.58103G>A, p.Arg19368Gln (NM_001256850.1); c.55322G>A, p.Arg18441Gln (NM_133378.4); c.35831G>A, p.Arg11944Gln (NM_003319.4); c.36206G>A, p.Arg12069Gln (NM_133432.3); c.36407G>A, p.Arg12136Gln (NM_133437.4); short protein forms R21009Q, R18441Q, R19368Q, R12069Q, R12136Q, R11944Q.
Identifiers: ClinVar variation 47189 (VCV000047189.35), dbSNP rs72646851, ClinGen allele CA283575.
Genomic context (GRCh38, chr2:178,588,699, plus strand): 5'-AGGAGATTCTGTACTTTCATACGTCTCTCAGGGATTGCACTCTTGTTGACAGGGACCCAT[C>T]GTGTTGAATGCTTTTCCTTTTTCTCCAAAAAGTATCCAGTTATAGACTTTCCACCATCAT-3'
Protein context (NP_001254479.2, residues 20999-21019): FLEKKEKHST[Arg21009Gln]WVPVNKSAIP